The following is an entry in ClinVar:

ClinVar aggregate classification (germline): Uncertain significance. Review status: criteria provided, multiple submitters, no conflicts (2 of 4 stars). 3 submissions from 3 submitters: Uncertain significance (2). 1 of the submissions does not count toward it. Last evaluated 2024-04-03.

Conditions:
Retinal dystrophy. Also called: Inherited retinal dystrophy. Identifiers: Orphanet 71862, MedGen C0854723, MeSH D058499, MONDO:0019118, HP:0000556.

Allele frequency attached by ClinVar (database versions not stated): gnomAD exomes 0.00005; ExAC 0.00007; ESP Exome Variant Server 0.00008; TOPMed 0.00009; gnomAD 0.00012 and 0.00013.
gnomAD v4.1: 91 of 1,613,830 alleles (0.0056%); highest among the groups gnomAD compares: Admixed American, 0.015%; no homozygotes.

Submissions (4):

Blueprint Genetics
Classification: Uncertain significance. Last evaluated: 2024-04-03. Review status: criteria provided, single submitter. Criteria: ACMG Guidelines, 2015. Collection method: clinical testing. Allele origin: germline.

Labcorp Genetics (formerly Invitae), Labcorp
Classification: Uncertain significance. Last evaluated: 2022-09-21. Review status: criteria provided, single submitter. Criteria: Invitae Variant Classification Sherloc (09022015). Collection method: clinical testing. Allele origin: germline.
Comment: This sequence change replaces glutamic acid, which is acidic and polar, with valine, which is neutral and non-polar, at codon 786 of the TTLL5 protein (p.Glu786Val). This variant is present in population databases (rs372279209, gnomAD 0.009%). This variant has not been reported in the literature in individuals affected with TTLL5-related conditions. ClinVar contains an entry for this variant (Variation ID: 970862). Advanced modeling of protein sequence and biophysical properties (such as structural, functional, and spatial information, amino acid conservation, physicochemical variation, residue mobility, and thermodynamic stability) performed at Invitae indicates that this missense variant is not expected to disrupt TTLL5 protein function. Algorithms developed to predict the effect of sequence changes on RNA splicing suggest that this variant may disrupt the consensus splice site. In summary, the available evidence is currently insufficient to determine the role of this variant in disease. Therefore, it has been classified as a Variant of Uncertain Significance.

Institute of Human Genetics, Univ. Regensburg, Univ. Regensburg
Classification: Uncertain significance for Retinal dystrophy. Last evaluated: 2018-01-01. Review status: no assertion criteria provided. Criteria: ACMG Guidelines, 2015. Collection method: clinical testing. Allele origin: germline. Affected: yes. Not counted in ClinVar's aggregate classification.

Dr. Peter K. Rogan Lab, Western University
No classification provided (evidence only). Condition: Colon adenocarcinoma. Review status: no classification provided. Collection method: in vitro. Allele origin: not applicable. Functional consequence: retained intron. Not counted in ClinVar's aggregate classification.

NM_015072.5(TTLL5):c.2357A>T (p.Glu786Val)

Gene: TTLL5 (tubulin tyrosine ligase like 5; plus strand). Cytogenetic location: 14q24.3.
Variant type: single nucleotide variant.
Coding change: c.2357A>T on transcript NM_015072.5 (MANE Select); coding-DNA position 2357, A replaced by T.
Protein change: p.Glu786Val; replaces glutamic acid 786 with valine.
Molecular consequence: missense variant.
Genome position (GRCh38, 1-based): chr14:75,776,820, A>T. VCF-style: chr14-75776820-A-T. GRCh37 (hg19) VCF-style: chr14-76243163-A-T.
Other names: short protein forms E786V.
Identifiers: ClinVar variation 970862 (VCV000970862.10), dbSNP rs372279209, ClinGen allele CA7279678.